The following is an entry in ClinVar:

NM_000053.4(ATP7B):c.1823T>C (p.Phe608Ser)

Gene: ATP7B (ATPase copper transporting beta; minus strand). Cytogenetic location: 13q14.3.
Variant type: single nucleotide variant.
Coding change: c.1823T>C on transcript NM_000053.4 (MANE Select); coding-DNA position 1823, T replaced by C.
Protein change: p.Phe608Ser; replaces phenylalanine 608 with serine.
Molecular consequence: missense variant.
Genome position (GRCh38, 1-based): chr13:51,964,918, A>G on the plus strand (T>C on the coding strand, the complement: ATP7B is on the minus strand). VCF-style: chr13-51964918-A-G. GRCh37 (hg19) VCF-style: chr13-52539054-A-G.
Other names: c.1823T>C, p.Phe608Ser (NM_001005918.3, NM_001330578.2, NM_001330579.2 and 24 more transcripts); c.1490T>C, p.Phe497Ser (NM_001243182.2); c.1790T>C, p.Phe597Ser (NM_001406514.1, NM_001406524.1); c.1727T>C, p.Phe576Ser (NM_001406517.1, NM_001406530.1, NM_001406536.1 and 3 more transcripts); c.1394T>C, p.Phe465Ser (NM_001406539.1); short protein forms F497S, F597S, F608S, F465S, F576S.
Identifiers: ClinVar variation 2198694 (VCV002198694.3), dbSNP rs1003808817, ClinGen allele CA250061564.
Genomic context (GRCh38, chr13:51,964,918, plus strand): 5'-AATGAATTACTTACCTCAATAATTTTGATAATATCCCGTGGACCGATAATTTCCGGGTCA[A>G]ACTTAACAAGGGCTTTGCTGGTGGCAAGGGCAACGGAGGCATAAGTGATGCCATTTGTCC-3'
Protein context (NP_000044.2, residues 598-618): ALATSKALVK[Phe608Ser]DPEIIGPRDI

ClinVar aggregate classification (germline): Uncertain significance. Review status: criteria provided, multiple submitters, no conflicts (2 of 4 stars). 3 submissions from 3 submitters: Uncertain significance (3). Last evaluated 2025-06-09.

Conditions:
Wilson disease (WND). Also called: Wilson's disease. Identifiers: Orphanet 905, MedGen C0019202, MONDO:0010200, OMIM 277900. Disease mechanism: loss of function.

Allele frequency attached by ClinVar (database versions not stated): gnomAD exomes below 0.00001; TOPMed below 0.00001.
gnomAD v4.1: 2 of 1,614,214 alleles (0.00012%); highest among the groups gnomAD compares: East Asian, 0.0022%; no homozygotes.

Submissions (3):

Color Diagnostics, LLC DBA Color Health
Classification: Uncertain significance for Wilson disease. Last evaluated: 2025-06-09. Review status: criteria provided, single submitter. Criteria: ACMG Guidelines, 2015. Collection method: clinical testing. Allele origin: germline.
Comment: This missense variant replaces phenylalanine with serine at codon 608 of the ATP7B protein. Computational prediction suggests that this variant may have deleterious impact on protein structure and function. To our knowledge, functional studies have not been reported for this variant. This variant has not been reported in individuals affected with ATP7B-related disorders in the literature. This variant has been identified in 1/249584 chromosomes in the general population by the Genome Aggregation Database (gnomAD). The available evidence is insufficient to determine the role of this variant in disease conclusively. Therefore, this variant is classified as a Variant of Uncertain Significance.

All of Us Research Program, National Institutes of Health
Classification: Uncertain significance for Wilson disease. Last evaluated: 2023-08-15. Review status: criteria provided, single submitter. Criteria: ACMG Guidelines, 2015. Collection method: clinical testing. Allele origin: germline. Inheritance: Autosomal recessive inheritance. Observed: 1 variant allele, 1 heterozygote.
Comment: This study involves interpretation of variants in research participants for the purpose of population health screening. Participant phenotype was not available at the time of variant classification. Additional details can be found in publication PMID: 35346344, PMCID: PMC8962531

Labcorp Genetics (formerly Invitae), Labcorp
Classification: Uncertain significance for Wilson disease. Last evaluated: 2022-01-11. Review status: criteria provided, single submitter. Criteria: Invitae Variant Classification Sherloc (09022015). Collection method: clinical testing. Allele origin: germline.
Comment: This sequence change replaces phenylalanine, which is neutral and non-polar, with serine, which is neutral and polar, at codon 608 of the ATP7B protein (p.Phe608Ser). This variant is present in population databases (no rsID available, gnomAD 0.005%). This variant has not been reported in the literature in individuals affected with ATP7B-related conditions. Advanced modeling of protein sequence and biophysical properties (such as structural, functional, and spatial information, amino acid conservation, physicochemical variation, residue mobility, and thermodynamic stability) performed at Invitae indicates that this missense variant is expected to disrupt ATP7B protein function. In summary, the available evidence is currently insufficient to determine the role of this variant in disease. Therefore, it has been classified as a Variant of Uncertain Significance.